The following is an entry in ClinVar:

NM_000059.4(BRCA2):c.8332-3423G>T

Gene: BRCA2 (BRCA2 DNA repair associated; plus strand). Cytogenetic location: 13q13.1.
Variant type: single nucleotide variant.
Coding change: c.8332-3423G>T on transcript NM_000059.4 (MANE Select); 3423 bases into the intron before coding-DNA position 8332, G replaced by T.
Molecular consequence: intron variant.
Genome position (GRCh38, 1-based): chr13:32,366,979, G>T. VCF-style: chr13-32366979-G-T. GRCh37 (hg19) VCF-style: chr13-32941116-G-T.
Other names: IVS 18-3423G>T.
Identifiers: ClinVar variation 209793 (VCV000209793.1), dbSNP rs114749873, ClinGen allele CA276761.

ClinVar aggregate classification (germline): Benign (3 of 4 stars; one submission).

Conditions:
Breast-ovarian cancer, familial, susceptibility to, 2 (BROVCA2). Also called: BRCA2 Hereditary Breast and Ovarian Cancer. Identifiers: Orphanet 145, MedGen C2675520, MONDO:0012933, OMIM 612555. Disease mechanism: loss of function.

Allele frequency attached by ClinVar (database versions not stated): 1000 Genomes Project 0.00998; 1000 Genomes Project 30x 0.01077; gnomAD 0.01208 and 0.01303; TOPMed 0.01426.
gnomAD v4.1: 1,813 of 152,136 alleles (1.2%); highest among the groups gnomAD compares: African/African-American, 4.1%; 37 homozygotes.

Submission:

Evidence-based Network for the Interpretation of Germline Mutant Alleles (ENIGMA)
Classification: Benign for Breast-ovarian cancer, familial 2. Last evaluated: 2015-01-12. Review status: reviewed by expert panel. Criteria: ENIGMA BRCA1/2 Classification Criteria (2015). Collection method: curation. Allele origin: germline.
Comment: Class 1 not pathogenic based on frequency >1% in an outbred sampleset. Frequency 0.03252 (African), derived from 1000 genomes (2012-04-30).